The following is an entry in ClinVar:

ClinVar aggregate classification (germline): Uncertain significance (1 of 4 stars; one submission).

gnomAD v4.1: 3 of 1,614,166 alleles (0.00019%); highest among the groups gnomAD compares: African/African-American, 0.0013%; no homozygotes.

Submission:

Women's Health and Genetics/Laboratory Corporation of America, LabCorp
Classification: Uncertain significance. Last evaluated: 2025-01-03. Review status: criteria provided, single submitter. Criteria: LabCorp Variant Classification Summary - May 2015. Collection method: clinical testing. Allele origin: germline.
Comment: Variant summary: FKBP14 c.86T>C (p.Ile29Thr) results in a non-conservative amino acid change located in the FKBP-type peptidyl-prolyl cis-trans isomerase domain (IPR001179) of the encoded protein sequence. Three of five in-silico tools predict a damaging effect of the variant on protein function. The variant was absent in 251486 control chromosomes. The available data on variant occurrences in the general population are insufficient to allow any conclusion about variant significance. To our knowledge, no occurrence of c.86T>C in individuals affected with FKBP14-related conditions and no experimental evidence demonstrating its impact on protein function have been reported. No submitters have cited clinical-significance assessments for this variant to ClinVar. Based on the evidence outlined above, the variant was classified as uncertain significance.

NM_017946.4(FKBP14):c.86T>C (p.Ile29Thr)

Genes: FKBP14 (FKBP prolyl isomerase 14; minus strand), FKBP14-AS1 (FKBP14 antisense RNA 1; plus strand). Cytogenetic location: 7p14.3.
Variant type: single nucleotide variant.
Coding change: c.86T>C on transcript NM_017946.4 (MANE Select); coding-DNA position 86, T replaced by C.
Protein change: p.Ile29Thr; replaces isoleucine 29 with threonine.
Molecular consequence: missense variant. On other transcripts: non-coding transcript variant (3).
Genome position (GRCh38, 1-based): chr7:30,026,423, A>G on the plus strand (T>C on the coding strand, the complement: FKBP14 is on the minus strand). VCF-style: chr7-30026423-A-G. GRCh37 (hg19) VCF-style: chr7-30066039-A-G.
Other names: short protein forms I29T.
Identifiers: ClinVar variation 3769290 (VCV003769290.2).